The following is an entry in ClinVar:

NM_153704.6(TMEM67):c.1838T>C (p.Val613Ala)

Gene: TMEM67 (transmembrane protein 67; plus strand). Cytogenetic location: 8q22.1.
Variant type: single nucleotide variant.
Coding change: c.1838T>C on transcript NM_153704.6 (MANE Select); coding-DNA position 1838, T replaced by C.
Protein change: p.Val613Ala; replaces valine 613 with alanine.
Molecular consequence: missense variant. On other transcripts: non-coding transcript variant (1).
Genome position (GRCh38, 1-based): chr8:93,795,965, T>C. VCF-style: chr8-93795965-T-C. GRCh37 (hg19) VCF-style: chr8-94808193-T-C.
Other names: c.1595T>C, p.Val532Ala (NM_001142301.1); short protein forms V613A, V532A.
Identifiers: ClinVar variation 4980445 (VCV004980445.1).

ClinVar aggregate classification (germline): Uncertain significance (1 of 4 stars; one submission).

Conditions:
TMEM67-related disorder. Also called: TMEM67-related condition; TMEM67-related disorders. Identifiers: MedGen CN239423.

gnomAD v4.1: 3 of 1,613,268 alleles (0.00019%); highest among the groups gnomAD compares: Admixed American, 0.0033%; no homozygotes.

Submission:

PreventionGenetics, part of Exact Sciences
Classification: Uncertain significance for TMEM67-related condition. Last evaluated: 2026-07-28. Review status: criteria provided, single submitter. Criteria: ACMG Guidelines, 2015. Collection method: clinical testing. Allele origin: germline.
Comment: The TMEM67 c.1838T>C variant is predicted to result in the amino acid substitution p.Val613Ala. To our knowledge, this variant has not been reported in the literature. This variant is reported in 0.0062% of alleles in individuals of African descent in gnomAD. At this time, the clinical significance of this variant is uncertain due to the absence of conclusive functional and genetic evidence.